The following is an entry in ClinVar:

NM_004700.4(KCNQ4):c.81G>A (p.Thr27=)

Gene: KCNQ4 (potassium voltage-gated channel subfamily Q member 4; plus strand). Cytogenetic location: 1p34.2.
Variant type: single nucleotide variant.
Coding change: c.81G>A on transcript NM_004700.4 (MANE Select); coding-DNA position 81, G replaced by A.
Protein change: p.Thr27=; no amino-acid change (threonine 27 retained).
Molecular consequence: synonymous variant.
Genome position (GRCh38, 1-based): chr1:40,784,174, G>A. VCF-style: chr1-40784174-G-A. GRCh37 (hg19) VCF-style: chr1-41249846-G-A.
Other names: c.81G>A, p.Thr27= (NM_172163.3).
Identifiers: ClinVar variation 1314888 (VCV001314888.2), dbSNP rs1386234507, ClinGen allele CA417535035.

ClinVar aggregate classification (germline): Uncertain significance (1 of 4 stars; one submission).

Allele frequency attached by ClinVar (database versions not stated): gnomAD exomes below 0.00001; gnomAD 0.00001.
gnomAD v4.1: 5 of 1,115,994 alleles (0.00045%); highest among the groups gnomAD compares: African/African-American, 0.0017%; no homozygotes.

Submission:

GeneDx
Classification: Uncertain significance. Last evaluated: 2021-04-26. Review status: criteria provided, single submitter. Criteria: GeneDx Variant Classification Process June 2021. Collection method: clinical testing. Allele origin: germline. Affected: yes.
Comment: Not observed in large population cohorts (Lek et al., 2016); In silico analysis supports that this variant does not alter splicing; Has not been previously published as pathogenic or benign to our knowledge